The following is an entry in ClinVar:

ClinVar aggregate classification (germline): Likely benign (1 of 4 stars; one submission).

Allele frequency attached by ClinVar (database versions not stated): TOPMed 0.00001.

Submission:

GeneDx
Classification: Likely benign. Last evaluated: 2018-01-25. Review status: criteria provided, single submitter. Criteria: GeneDx Variant Classification (06012015). Collection method: clinical testing. Allele origin: germline. Affected: yes.
Comment: This variant is considered likely benign or benign based on one or more of the following criteria: it is a conservative change, it occurs at a poorly conserved position in the protein, it is predicted to be benign by multiple in silico algorithms, and/or has population frequency not consistent with disease.

NM_000141.5(FGFR2):c.-151+19G>T

Gene: FGFR2 (fibroblast growth factor receptor 2; minus strand). Cytogenetic location: 10q26.13.
Variant type: single nucleotide variant.
Coding change: c.-151+19G>T on transcript NM_000141.5 (MANE Select); 19 bases into the intron after 151 bases upstream of the start codon, G replaced by T.
Molecular consequence: intron variant.
Genome position (GRCh38, 1-based): chr10:121,597,943, C>A on the plus strand (G>T on the coding strand, the complement: FGFR2 is on the minus strand). VCF-style: chr10-121597943-C-A. GRCh37 (hg19) VCF-style: chr10-123357457-C-A.
Other names: c.-151+19G>T (NM_001144918.2, NM_001144917.2, NM_001320658.2 and 2 more transcripts).
Identifiers: ClinVar variation 515199 (VCV000515199.1), dbSNP rs974988741, ClinGen allele CA214326982.